The following is an entry in ClinVar:

NM_001042492.3(NF1):c.3352A>G (p.Ser1118Gly)

Gene: NF1 (neurofibromin 1; plus strand). Cytogenetic location: 17q11.2.
Variant type: single nucleotide variant.
Coding change: c.3352A>G on transcript NM_001042492.3 (MANE Select); coding-DNA position 3352, A replaced by G.
Protein change: p.Ser1118Gly; replaces serine 1118 with glycine.
Molecular consequence: missense variant.
Genome position (GRCh38, 1-based): chr17:31,232,737, A>G. VCF-style: chr17-31232737-A-G. GRCh37 (hg19) VCF-style: chr17-29559755-A-G.
Other names: c.3352A>G, p.Ser1118Gly (NM_000267.4); short protein forms S1118G.
Identifiers: ClinVar variation 237548 (VCV000237548.12), dbSNP rs201645318, ClinGen allele CA10583491.

ClinVar aggregate classification (germline): Conflicting classifications of pathogenicity. Review status: criteria provided, conflicting classifications (1 of 4 stars). 5 submissions from 5 submitters: Uncertain significance (4); Likely benign (1). Last evaluated 2025-07-20.

Conditions:
Cardiovascular phenotype. Identifiers: MedGen CN230736.
Hereditary cancer-predisposing syndrome. Also called: Tumor predisposition; Hereditary Cancer Syndrome; Hereditary neoplastic syndrome; Neoplastic Syndromes, Hereditary. Identifiers: Orphanet 140162, MedGen C0027672, MeSH D009386, MONDO:0015356.
Neurofibromatosis, type 1 (NF1). Also called: VON RECKLINGHAUSEN DISEASE; NEUROFIBROMATOSIS, TYPE I, SOMATIC; Peripheral type neurofibromatosis; Neurofibromatosis, type I. Identifiers: Orphanet 636, MedGen C0027831, MONDO:0018975, OMIM 162200. Disease mechanism: loss of function.
Juvenile myelomonocytic leukemia (JMML). Also called: LEUKEMIA, JUVENILE MYELOMONOCYTIC, SOMATIC. Identifiers: Orphanet 86834, MedGen C0349639, MONDO:0011908, OMIM 607785, HP:0012209.

Allele frequency attached by ClinVar (database versions not stated): gnomAD exomes below 0.00001 and 0.00001; gnomAD 0.00001; 1000 Genomes Project 30x 0.00016; 1000 Genomes Project 0.00020.
gnomAD v4.1: 7 of 1,613,880 alleles (0.00043%); highest among the groups gnomAD compares: East Asian, 0.0045%; no homozygotes.

Submissions (5):

Labcorp Genetics (formerly Invitae), Labcorp
Classification: Uncertain significance for Neurofibromatosis, type 1. Last evaluated: 2025-07-20. Review status: criteria provided, single submitter. Criteria: Invitae Variant Classification Sherloc (09022015). Collection method: clinical testing. Allele origin: germline.
Comment: This sequence change replaces serine, which is neutral and polar, with glycine, which is neutral and non-polar, at codon 1118 of the NF1 protein (p.Ser1118Gly). This variant is not present in population databases (gnomAD no frequency). This variant has not been reported in the literature in individuals affected with NF1-related conditions. ClinVar contains an entry for this variant (Variation ID: 237548). Invitae Evidence Modeling of protein sequence and biophysical properties (such as structural, functional, and spatial information, amino acid conservation, physicochemical variation, residue mobility, and thermodynamic stability) has been performed for this missense variant. However, the output from this modeling did not meet the statistical confidence thresholds required to predict the impact of this variant on NF1 protein function. In summary, the available evidence is currently insufficient to determine the role of this variant in disease. Therefore, it has been classified as a Variant of Uncertain Significance.

Baylor Genetics
Classification: Uncertain significance for Juvenile myelomonocytic leukemia. Last evaluated: 2024-02-09. Review status: criteria provided, single submitter. Criteria: ACMG Guidelines, 2015. Collection method: clinical testing. Allele origin: unknown.

Genome-Nilou Lab
Classification: Uncertain significance for Neurofibromatosis, type 1. Last evaluated: 2022-03-15. Review status: criteria provided, single submitter. Criteria: ACMG Guidelines, 2015. Collection method: clinical testing. Allele origin: germline. Affected: no.

Ambry Genetics
Classification: Likely benign for Cardiovascular phenotype; Hereditary cancer-predisposing syndrome. Last evaluated: 2021-06-17. Review status: criteria provided, single submitter. Criteria: Ambry Variant Classification Scheme 2023. Collection method: clinical testing. Allele origin: germline.

GeneDx
Classification: Uncertain significance. Last evaluated: 2020-09-17. Review status: criteria provided, single submitter. Criteria: GeneDx Variant Classification Process June 2021. Collection method: clinical testing. Allele origin: germline. Affected: yes.
Comment: In silico analysis supports that this missense variant does not alter protein structure/function; This variant is associated with the following publications: (PMID: 32933826)